The following is an entry in ClinVar:

NM_000158.4(GBE1):c.1788G>A (p.Trp596Ter)

Gene: GBE1 (1,4-alpha-glucan branching enzyme 1; minus strand). Cytogenetic location: 3p12.2.
Variant type: single nucleotide variant.
Coding change: c.1788G>A on transcript NM_000158.4 (MANE Select); coding-DNA position 1788, G replaced by A.
Protein change: p.Trp596Ter; replaces tryptophan 596 with a stop codon.
Molecular consequence: nonsense.
Genome position (GRCh38, 1-based): chr3:81,536,926, C>T on the plus strand (G>A on the coding strand, the complement: GBE1 is on the minus strand). VCF-style: chr3-81536926-C-T. GRCh37 (hg19) VCF-style: chr3-81586077-C-T.
Other names: NM_000158.4(GBE1):c.1788G>A; p.Trp596Ter; short protein forms W596*.
Identifiers: ClinVar variation 952547 (VCV000952547.10), dbSNP rs201029706, ClinGen allele CA78280342.

ClinVar aggregate classification (germline): Conflicting classifications of pathogenicity. Review status: criteria provided, conflicting classifications (1 of 4 stars). 4 submissions from 4 submitters: Pathogenic (2); Likely pathogenic (1); Uncertain significance (1). Last evaluated 2025-10-21.

Conditions:
Glycogen storage disease, type IV (GSD4). Also called: Glycogen storage disease due to glycogen branching enzyme deficiency; AMYLOPECTINOSIS; ANDERSEN DISEASE; BRANCHER DEFICIENCY; CIRRHOSIS, FAMILIAL, WITH DEPOSITION OF ABNORMAL GLYCOGEN; GBE1 DEFICIENCY. Identifiers: Orphanet 367, MedGen C0017923, MONDO:0009292, OMIM 232500.
Glycogen storage disease IV, classic hepatic. Also called: GSD IV, CLASSIC HEPATIC. Identifiers: MedGen C1856301.

Allele frequency attached by ClinVar (database versions not stated): gnomAD exomes below 0.00001 and 0.00001.
gnomAD v4.1: 19 of 1,585,900 alleles (0.0012%); highest among the groups gnomAD compares: Non-Finnish European, 0.0015%; no homozygotes.

Submissions (4):

Labcorp Genetics (formerly Invitae), Labcorp
Classification: Pathogenic for Glycogen storage disease, type IV; Glycogen storage disease IV, classic hepatic. Last evaluated: 2025-10-21. Review status: criteria provided, single submitter. Criteria: Invitae Variant Classification Sherloc (09022015). Collection method: clinical testing. Allele origin: germline.
Comment: This sequence change creates a premature translational stop signal (p.Trp596*) in the GBE1 gene. It is expected to result in an absent or disrupted protein product. Loss-of-function variants in GBE1 are known to be pathogenic (PMID: 15452297, 20058079). The frequency data for this variant in the population databases is considered unreliable, as metrics indicate poor data quality at this position in the gnomAD database. This variant has not been reported in the literature in individuals affected with GBE1-related conditions. ClinVar contains an entry for this variant (Variation ID: 952547). For these reasons, this variant has been classified as Pathogenic.

Natera, Inc.
Classification: Likely pathogenic for Glycogen storage disease type IV. Last evaluated: 2025-07-29. Review status: criteria provided, single submitter. Criteria: Natera Variant Classification Schema (03/2026). Collection method: clinical testing. Allele origin: germline.
Comment: The c.1788G>A variant in GBE1 is a nonsense variant predicted to introduce a stop codon at amino acid 596. This variant is expected to result in nonsense mediated decay, truncation, or a dysfunctional protein product. This variant is rare in the general population with a frequency below the threshold expected for the associated phenotype(s). Given the available evidence, this variant is classified as Likely Pathogenic.

Baylor Genetics
Classification: Pathogenic for Glycogen storage disease, type IV. Last evaluated: 2024-02-11. Review status: criteria provided, single submitter. Criteria: ACMG Guidelines, 2015. Collection method: clinical testing. Allele origin: unknown.

Broad Center for Mendelian Genomics, Broad Institute of MIT and Harvard
Classification: Uncertain significance for Glycogen storage disease, type IV. Last evaluated: 2022-01-27. Review status: criteria provided, single submitter. Criteria: ACMG Guidelines, 2015. Collection method: curation. Allele origin: germline. Inheritance: Autosomal recessive inheritance.
Comment: The p.Trp596Ter variant in GBE1 has not been previously reported in the literature in individuals with GBE1-related disorders but has been identified in 0.001% (1/103956) of European (non-Finnish) chromosomes by the Genome Aggregation Database (gnomAD; dbSNP ID: rs201029706). Although this variant has been seen in the general population in a heterozygous state, its frequency is low enough to be consistent with a recessive carrier frequency. This variant has also been reported in ClinVar (Variation ID#: 952547) and has been interpreted as pathogenic by Invitae. This nonsense variant leads to a premature termination codon at position 596, which is predicted to lead to a truncated or absent protein. Loss of function of the GBE1 gene is an established disease mechanism in autosomal recessive GBE1-related disorders. In summary, while there is some suspicion for a pathogenic role, the clinical significance of this variant is uncertain. ACMG/AMP Criteria applied: PVS1, PM2_supporting (Richards 2015).

Literature cited by the submitters: PubMed 15452297 (cited by Labcorp Genetics (formerly Invitae), Labcorp); PubMed 20058079 (cited by Labcorp Genetics (formerly Invitae), Labcorp).